The following is an entry in ClinVar:

NM_170707.4(LMNA):c.1233del (p.Gly413fs)

Gene: LMNA (lamin A/C; plus strand). Cytogenetic location: 1q22.
Variant type: Deletion.
Coding change: c.1233del on transcript NM_170707.4 (MANE Select); coding-DNA position 1233, one base deleted (T; older notation c.1233delT).
Protein change: p.Gly413fs; shifts the reading frame from glycine 413.
Molecular consequence: frameshift variant.
Genome position (GRCh38, 1-based): chr1:156,136,289, T deleted. VCF-style (leftmost placement, unchanged base first): chr1-156136288-GT-G. GRCh37 (hg19) VCF-style: chr1-156106079-GT-G.
Other names: c.1233delT (NM_170707.4); c.897del, p.Gly301fs (NM_001257374.3, NM_001406989.1, NM_001406998.1); c.990del, p.Gly332fs (NM_001282624.2, NM_001406986.1, NM_001406987.1); c.1233del, p.Gly413fs (NM_001282625.2, NM_001282626.2, NM_001406983.1 and 6 more transcripts); c.936del, p.Gly314fs (NM_001406988.1); c.675del, p.Gly227fs (NM_001406990.1, NM_001406993.1, NM_001406995.1 and 4 more transcripts); c.609del, p.Gly205fs (NM_001406994.1, NM_001406999.1, NM_001407000.1 and 1 more transcripts); short protein forms G205fs, G227fs, G301fs, G314fs, G332fs, G413fs.
Identifiers: ClinVar variation 3902642 (VCV003902642.1).

ClinVar aggregate classification (germline): Pathogenic (1 of 4 stars; one submission).

Conditions:
Primary familial dilated cardiomyopathy (FDC). Also called: Familial dilated cardiomyopathy; Hypokinetic dilated cardiomyopathy, familial. Identifiers: Orphanet 217607, MedGen C0340427, MONDO:0016333.

Submission:

Women's Health and Genetics/Laboratory Corporation of America, LabCorp
Classification: Pathogenic for Primary familial dilated cardiomyopathy. Last evaluated: 2025-05-28. Review status: criteria provided, single submitter. Criteria: LabCorp Variant Classification Summary - May 2015. Collection method: clinical testing. Allele origin: germline.
Comment: Variant summary: LMNA c.1233delT (p.Gly413AlafsX67) results in a premature termination codon, predicted to cause a truncation of the encoded protein or absence of the protein due to nonsense mediated decay, which are commonly known mechanisms for disease. The variant was absent in 250120 control chromosomes. To our knowledge, no occurrence of c.1233delT in individuals affected with Dilated Cardiomyopathy and no experimental evidence demonstrating its impact on protein function have been reported. No submitters have cited clinical-significance assessments for this variant to ClinVar. Based on the evidence outlined above, the variant was classified as pathogenic.